The following is an entry in ClinVar:

ClinVar aggregate classification (germline): Pathogenic. Review status: criteria provided, multiple submitters, no conflicts (2 of 4 stars). 2 submissions from 2 submitters: Pathogenic (2). Last evaluated 2025-11-11.

Conditions:
Hereditary cancer-predisposing syndrome. Also called: Neoplastic Syndromes, Hereditary; Hereditary Cancer Syndrome; Hereditary neoplastic syndrome; Tumor predisposition. Identifiers: Orphanet 140162, MedGen C0027672, MeSH D009386, MONDO:0015356.

Submissions (2):

Labcorp Genetics (formerly Invitae), Labcorp
Classification: Pathogenic. Last evaluated: 2025-11-11. Review status: criteria provided, single submitter. Criteria: Invitae Variant Classification Sherloc (09022015). Collection method: clinical testing. Allele origin: germline.
Comment: This sequence change creates a premature translational stop signal (p.Gln794*) in the MSH3 gene. It is expected to result in an absent or disrupted protein product. Loss-of-function variants in MSH3 are known to be pathogenic (PMID: 27476653, 37402566). This variant is not present in population databases (gnomAD no frequency). This variant has not been reported in the literature in individuals affected with MSH3-related conditions. ClinVar contains an entry for this variant (Variation ID: 2562149). Algorithms developed to predict the effect of sequence changes on RNA splicing suggest that this variant may disrupt the consensus splice site. For these reasons, this variant has been classified as Pathogenic.

Ambry Genetics
Classification: Pathogenic for Hereditary cancer-predisposing syndrome. Last evaluated: 2023-04-24. Review status: criteria provided, single submitter. Criteria: Ambry Variant Classification Scheme 2023. Collection method: clinical testing. Allele origin: germline.
Comment: The p.Q794* pathogenic mutation (also known as c.2380C>T), located in coding exon 17 of the MSH3 gene, results from a C to T substitution at nucleotide position 2380. This changes the amino acid from a glutamine to a stop codon within coding exon 17. This variant is considered to be rare based on population cohorts in the Genome Aggregation Database (gnomAD). This alteration is expected to result in loss of function by premature protein truncation or nonsense-mediated mRNA decay. As such, this alteration is interpreted as a disease-causing mutation.

Literature cited by the submitters: PubMed 27476653 (cited by Labcorp Genetics (formerly Invitae), Labcorp); PubMed 37402566 (cited by Labcorp Genetics (formerly Invitae), Labcorp).

NM_002439.5(MSH3):c.2380C>T (p.Gln794Ter)

Gene: MSH3 (mutS homolog 3; plus strand). Cytogenetic location: 5q14.1.
Variant type: single nucleotide variant.
Coding change: c.2380C>T on transcript NM_002439.5 (MANE Select); coding-DNA position 2380, C replaced by T.
Protein change: p.Gln794Ter; replaces glutamine 794 with a stop codon.
Molecular consequence: nonsense.
Genome position (GRCh38, 1-based): chr5:80,778,781, C>T. VCF-style: chr5-80778781-C-T. GRCh37 (hg19) VCF-style: chr5-80074600-C-T.
Other names: short protein forms Q794*.
Identifiers: ClinVar variation 2562149 (VCV002562149.3), dbSNP rs2546779563, ClinGen allele CA360281828.